The following is an entry in ClinVar:

ClinVar aggregate classification (germline): Uncertain significance. Review status: criteria provided, multiple submitters, no conflicts (2 of 4 stars). 2 submissions from 2 submitters: Uncertain significance (2). Last evaluated 2024-05-27.

Conditions:
Orofaciodigital syndrome type 6 (OFD6). Also called: OROFACIODIGITAL SYNDROME VI; OFDS VI; POLYDACTYLY, CLEFT LIP/PALATE OR LINGUAL LUMP, AND PSYCHOMOTOR RETARDATION; VARADI SYNDROME; VARADI-PAPP SYNDROME; Oral-facial-digital syndrome type 6. Identifiers: Orphanet 2754, MedGen C2745997, MONDO:0010176, OMIM 277170.
Joubert syndrome 17 (JBTS17). Identifiers: Orphanet 475, MedGen C3553264, MONDO:0013824, OMIM 614615.

Allele frequency attached by ClinVar (database versions not stated): gnomAD exomes 0.00001; TOPMed 0.00001.
gnomAD v4.1: 12 of 1,551,112 alleles (0.00077%); highest among the groups gnomAD compares: Middle Eastern, 0.017%; no homozygotes.

Submissions (2):

Fulgent Genetics
Classification: Uncertain significance for Orofaciodigital syndrome type 6; Joubert syndrome 17. Last evaluated: 2024-05-27. Review status: criteria provided, single submitter. Criteria: ACMG Guidelines, 2015. Collection method: clinical testing. Allele origin: germline.

Labcorp Genetics (formerly Invitae), Labcorp
Classification: Uncertain significance. Last evaluated: 2021-12-19. Review status: criteria provided, single submitter. Criteria: Invitae Variant Classification Sherloc (09022015). Collection method: clinical testing. Allele origin: germline.
Comment: This sequence change replaces isoleucine, which is neutral and non-polar, with leucine, which is neutral and non-polar, at codon 980 of the CPLANE1 protein (p.Ile980Leu). This variant is present in population databases (no rsID available, gnomAD 0.002%). This variant has not been reported in the literature in individuals affected with CPLANE1-related conditions. Advanced modeling of protein sequence and biophysical properties (such as structural, functional, and spatial information, amino acid conservation, physicochemical variation, residue mobility, and thermodynamic stability) performed at Invitae indicates that this missense variant is not expected to disrupt CPLANE1 protein function. In summary, the available evidence is currently insufficient to determine the role of this variant in disease. Therefore, it has been classified as a Variant of Uncertain Significance.

NM_001384732.1(CPLANE1):c.2938A>C (p.Ile980Leu)

Gene: CPLANE1 (ciliogenesis and planar polarity effector complex subunit 1; minus strand). Cytogenetic location: 5p13.2.
Variant type: single nucleotide variant.
Coding change: c.2938A>C on transcript NM_001384732.1 (MANE Select); coding-DNA position 2938, A replaced by C.
Protein change: p.Ile980Leu; replaces isoleucine 980 with leucine.
Molecular consequence: missense variant.
Genome position (GRCh38, 1-based): chr5:37,206,408, T>G on the plus strand (A>C on the coding strand, the complement: CPLANE1 is on the minus strand). VCF-style: chr5-37206408-T-G. GRCh37 (hg19) VCF-style: chr5-37206510-T-G.
Other names: c.2938A>C, p.Ile980Leu (NM_023073.4); c.2938A>C (NM_023073.3); short protein forms I980L.
Identifiers: ClinVar variation 2200772 (VCV002200772.2), dbSNP rs956289118, ClinGen allele CA117082687.
Genomic context (GRCh38, chr5:37,206,408, plus strand): 5'-ACACATTAGAGAGATTCTGATCTCTAACAACACTGGCCACCTTAGAGTGTTGCAGAGGAA[T>G]AAGTCGAAAGGACTGCTCTGTGAGTAAATTTTTAAAAATGGATTATTACAATCACATCCA-3'
Protein context (NP_001371661.1, residues 970-990): HIKTEQSFRL[Ile980Leu]PLQHSKVASV